The following is an entry in ClinVar:

NM_014588.6(VSX1):c.794C>A (p.Ala265Glu)

Gene: VSX1 (visual system homeobox 1; minus strand). Cytogenetic location: 20p11.21.
Variant type: single nucleotide variant.
Coding change: c.794C>A on transcript NM_014588.6 (MANE Select); coding-DNA position 794, C replaced by A.
Protein change: p.Ala265Glu; replaces alanine 265 with glutamic acid.
Molecular consequence: missense variant. On other transcripts: non-coding transcript variant (4), intron variant (1).
Genome position (GRCh38, 1-based): chr20:25,077,699, G>T on the plus strand (C>A on the coding strand, the complement: VSX1 is on the minus strand). VCF-style: chr20-25077699-G-T. GRCh37 (hg19) VCF-style: chr20-25058335-G-T.
Other names: c.794C>A, p.Ala265Glu (NM_001256272.2); c.101C>A, p.Ala34Glu (NM_001378633.1); c.627+1130C>A (NM_001256271.2); short protein forms A34E, A265E.
Identifiers: ClinVar variation 4739734 (VCV004739734.1).

ClinVar aggregate classification (germline): Uncertain significance (1 of 4 stars; one submission).

Submission:

Labcorp Genetics (formerly Invitae), Labcorp
Classification: Uncertain significance. Last evaluated: 2025-07-30. Review status: criteria provided, single submitter. Criteria: Invitae Variant Classification Sherloc (09022015). Collection method: clinical testing. Allele origin: germline.
Comment: This sequence change replaces alanine, which is neutral and non-polar, with glutamic acid, which is acidic and polar, at codon 265 of the VSX1 protein (p.Ala265Glu). This variant is not present in population databases (gnomAD no frequency). This variant has not been reported in the literature in individuals affected with VSX1-related conditions. Invitae Evidence Modeling of protein sequence and biophysical properties (such as structural, functional, and spatial information, amino acid conservation, physicochemical variation, residue mobility, and thermodynamic stability) indicates that this missense variant is expected to disrupt VSX1 protein function with a positive predictive value of 80%. In summary, the available evidence is currently insufficient to determine the role of this variant in disease. Therefore, it has been classified as a Variant of Uncertain Significance.